The following is an entry in ClinVar:

ClinVar aggregate classification (germline): Uncertain significance (1 of 4 stars; one submission).

Conditions:
Developmental and epileptic encephalopathy, 12 (DEE12). Identifiers: MedGen C3150988, MONDO:0013389, OMIM 613722.

Allele frequency attached by ClinVar (database versions not stated): gnomAD exomes below 0.00001 and 0.00001; ExAC 0.00002.
gnomAD v4.1: 2 of 1,606,434 alleles (0.00012%); highest among the groups gnomAD compares: Non-Finnish European, 0.00017%; no homozygotes.

Submission:

Labcorp Genetics (formerly Invitae), Labcorp
Classification: Uncertain significance for Developmental and epileptic encephalopathy, 12. Last evaluated: 2022-08-22. Review status: criteria provided, single submitter. Criteria: Invitae Variant Classification Sherloc (09022015). Collection method: clinical testing. Allele origin: germline.
Comment: In summary, the available evidence is currently insufficient to determine the role of this variant in disease. Therefore, it has been classified as a Variant of Uncertain Significance. ClinVar contains an entry for this variant (Variation ID: 1520676). This sequence change replaces isoleucine, which is neutral and non-polar, with threonine, which is neutral and polar, at codon 767 of the PLCB1 protein (p.Ile767Thr). This variant is present in population databases (rs745553901, gnomAD 0.002%). This variant has not been reported in the literature in individuals affected with PLCB1-related conditions. Algorithms developed to predict the effect of missense changes on protein structure and function are either unavailable or do not agree on the potential impact of this missense change (SIFT: "Deleterious"; PolyPhen-2: "Probably Damaging"; Align-GVGD: "Class C0").

NM_015192.4(PLCB1):c.2300T>C (p.Ile767Thr)

Gene: PLCB1 (phospholipase C beta 1; plus strand). Cytogenetic location: 20p12.3.
Variant type: single nucleotide variant.
Coding change: c.2300T>C on transcript NM_015192.4 (MANE Select); coding-DNA position 2300, T replaced by C.
Protein change: p.Ile767Thr; replaces isoleucine 767 with threonine.
Molecular consequence: missense variant.
Genome position (GRCh38, 1-based): chr20:8,739,352, T>C. VCF-style: chr20-8739352-T-C. GRCh37 (hg19) VCF-style: chr20-8719999-T-C.
Other names: c.2300T>C, p.Ile767Thr (NM_182734.3); short protein forms I767T.
Identifiers: ClinVar variation 1520676 (VCV001520676.6), dbSNP rs745553901, ClinGen allele CA9760179.